The following is an entry in ClinVar:

NM_001351132.2(PEX5):c.1560T>C (p.Asn520=)

Gene: PEX5 (peroxisomal biogenesis factor 5; plus strand). Cytogenetic location: 12p13.31.
Variant type: single nucleotide variant.
Coding change: c.1560T>C on transcript NM_001351132.2 (MANE Select); coding-DNA position 1560, T replaced by C.
Protein change: p.Asn520=; no amino-acid change (asparagine 520 retained).
Molecular consequence: synonymous variant.
Genome position (GRCh38, 1-based): chr12:7,209,170, T>C. VCF-style: chr12-7209170-T-C. GRCh37 (hg19) VCF-style: chr12-7361766-T-C.
Other names: c.1560T>C (NM_001131025.1); c.1536T>C, p.Asn512= (NM_000319.5); c.1605T>C, p.Asn535= (NM_001131023.2); c.1449T>C, p.Asn483= (NM_001131024.2, NM_001351124.3, NM_001351126.2 and 7 more transcripts); c.1560T>C, p.Asn520= (NM_001131025.2, NM_001131026.2, NM_001300789.3 and 4 more transcripts); c.1494T>C, p.Asn498= (NM_001351135.3, NM_001351138.2); c.1551T>C, p.Asn517= (NM_001351136.2); c.1425T>C, p.Asn475= (NM_001351139.2, NM_001351140.2, NM_001374649.2).
Identifiers: ClinVar variation 1401445 (VCV001401445.7), dbSNP rs140330381, ClinGen allele CA6426488.

ClinVar aggregate classification (germline): Conflicting classifications of pathogenicity. Review status: criteria provided, conflicting classifications (1 of 4 stars). 3 submissions from 3 submitters: Uncertain significance (1); Likely benign (1). 1 of the submissions does not count toward it. Last evaluated 2024-11-26.

Conditions:
PEX5-related disorder. Also called: PEX5-related condition; PEX5-Related Disorders.
Peroxisome biogenesis disorder 2B (PBD2B). Identifiers: Orphanet 44, MedGen C3550234, MONDO:0008736, OMIM 202370.

Allele frequency attached by ClinVar (database versions not stated): gnomAD 0.00001; gnomAD exomes 0.00001 and 0.00003; ExAC 0.00002; TOPMed 0.00003; ESP Exome Variant Server 0.00015.
gnomAD v4.1: 48 of 1,613,514 alleles (0.003%); highest among the groups gnomAD compares: Middle Eastern, 0.034%; no homozygotes.

Submissions (3):

Blueprint Genetics
Classification: Likely benign. Last evaluated: 2024-11-26. Review status: criteria provided, single submitter. Criteria: ACMG Guidelines, 2015. Collection method: clinical testing. Allele origin: germline.

Labcorp Genetics (formerly Invitae), Labcorp
Classification: Uncertain significance for Peroxisome biogenesis disorder 2B. Last evaluated: 2024-04-22. Review status: criteria provided, single submitter. Criteria: Invitae Variant Classification Sherloc (09022015). Collection method: clinical testing. Allele origin: germline.
Comment: This sequence change affects codon 520 of the PEX5 mRNA. It is a 'silent' change, meaning that it does not change the encoded amino acid sequence of the PEX5 protein. It affects a nucleotide within the consensus splice site. This variant is present in population databases (rs140330381, gnomAD 0.003%). This variant has not been reported in the literature in individuals affected with PEX5-related conditions. ClinVar contains an entry for this variant (Variation ID: 1401445). Algorithms developed to predict the effect of sequence changes on RNA splicing suggest that this variant is not likely to affect RNA splicing. In summary, the available evidence is currently insufficient to determine the role of this variant in disease. Therefore, it has been classified as a Variant of Uncertain Significance.

PreventionGenetics, part of Exact Sciences
Classification: Likely benign for PEX5-related condition. Last evaluated: 2019-07-26. Review status: no assertion criteria provided. Collection method: clinical testing. Allele origin: germline. Not counted in ClinVar's aggregate classification.
Comment: This variant is classified as likely benign based on ACMG/AMP sequence variant interpretation guidelines (Richards et al. 2015 PMID: 25741868, with internal and published modifications).